The following is an entry in ClinVar:

NM_020771.4(HACE1):c.1567-7G>T

Gene: HACE1 (HECT domain and ankyrin repeat containing E3 ubiquitin protein ligase 1; minus strand). Cytogenetic location: 6q16.3.
Variant type: single nucleotide variant.
Coding change: c.1567-7G>T on transcript NM_020771.4 (MANE Select); 7 bases into the intron before coding-DNA position 1567, G replaced by T.
Molecular consequence: intron variant.
Genome position (GRCh38, 1-based): chr6:104,777,324, C>A on the plus strand (G>T on the coding strand, the complement: HACE1 is on the minus strand). VCF-style: chr6-104777324-C-A. GRCh37 (hg19) VCF-style: chr6-105225199-C-A.
Other names: c.985-7G>T (NM_001350559.2); c.1435-7G>T (NM_001321080.2); c.1063-7G>T (NM_001350558.2, NM_001321084.2, NM_001350557.2); c.1333-7G>T (NM_001350554.2); c.1465-7G>T (NM_001321083.2); c.1276-7G>T (NM_001350555.2); c.784-7G>T (NM_001350560.2); c.1081-7G>T (NM_001350556.2).
Identifiers: ClinVar variation 5006944 (VCV005006944.2).
Genomic context (GRCh38, chr6:104,777,324, plus strand): 5'-TGGCTGTCCTGAATGCAAATGTTCATAGAACCATTCACAGCGATCTTTAAAAGGCTAGCT[C>A]AAAAAATAAGAGTAAAATATGTTAGCAGTGTATCAGTCATCTAATTATCAGATTTACTAG-3'

ClinVar aggregate classification (germline): Uncertain significance (1 of 4 stars; one submission).

Conditions:
Spastic paraplegia-severe developmental delay-epilepsy syndrome. Also called: Spastic paraplegia and psychomotor retardation with or without seizures. Identifiers: Orphanet 464282, MedGen C4225215, MONDO:0014764, OMIM 616756.

gnomAD v4.1: 2 of 1,560,892 alleles (0.00013%); highest among the groups gnomAD compares: East Asian, 0.0022%; no homozygotes.

Submission:

Juno Genomics, Hangzhou Juno Genomics, Inc
Classification: Uncertain significance for Spastic paraplegia-severe developmental delay-epilepsy syndrome. Review status: criteria provided, single submitter. Criteria: ACMG Guidelines, 2015. Collection method: clinical testing. Allele origin: germline.
Comment: Absent from controls (or at extremely low frequency if recessive) in Genome Aggregation Database.;Multiple lines of computational evidence support a deleterious effect on the gene or gene product.